The following is an entry in ClinVar:

ClinVar aggregate classification (germline): Uncertain significance (1 of 4 stars; one submission).

Conditions:
Nephronophthisis. Also called: Juvenile Nephronophthisis. Identifiers: Orphanet 655, MedGen C0687120, MONDO:0019005, HP:0000090.

Allele frequency attached by ClinVar (database versions not stated): gnomAD exomes below 0.00001.
gnomAD v4.1: 1 of 1,606,098 alleles (0.000062%); highest among the groups gnomAD compares: Admixed American, 0.0017%; no homozygotes.

Submission:

Labcorp Genetics (formerly Invitae), Labcorp
Classification: Uncertain significance for Nephronophthisis. Last evaluated: 2022-07-19. Review status: criteria provided, single submitter. Criteria: Invitae Variant Classification Sherloc (09022015). Collection method: clinical testing. Allele origin: germline.
Comment: In summary, the available evidence is currently insufficient to determine the role of this variant in disease. Therefore, it has been classified as a Variant of Uncertain Significance. Algorithms developed to predict the effect of missense changes on protein structure and function are either unavailable or do not agree on the potential impact of this missense change (SIFT: "Deleterious"; PolyPhen-2: "Possibly Damaging"; Align-GVGD: "Class C0"). This variant has not been reported in the literature in individuals affected with NPHP3-related conditions. This variant is present in population databases (no rsID available, gnomAD 0.003%). This sequence change replaces isoleucine, which is neutral and non-polar, with methionine, which is neutral and non-polar, at codon 575 of the NPHP3 protein (p.Ile575Met).

NM_153240.5(NPHP3):c.1725T>G (p.Ile575Met)

Genes: NPHP3 (nephrocystin 3; minus strand), NPHP3-ACAD11 (NPHP3-ACAD11 readthrough (NMD candidate); minus strand). Cytogenetic location: 3q22.1.
Variant type: single nucleotide variant.
Coding change: c.1725T>G on transcript NM_153240.5 (MANE Select); coding-DNA position 1725, T replaced by G.
Protein change: p.Ile575Met; replaces isoleucine 575 with methionine.
Molecular consequence: missense variant. On other transcripts: non-coding transcript variant (1).
Genome position (GRCh38, 1-based): chr3:132,700,352, A>C on the plus strand (T>G on the coding strand, the complement: NPHP3 is on the minus strand). VCF-style: chr3-132700352-A-C. GRCh37 (hg19) VCF-style: chr3-132419196-A-C.
Other names: short protein forms I575M.
Identifiers: ClinVar variation 2097048 (VCV002097048.4), dbSNP rs1254180323, ClinGen allele CA354582945.